The following is an entry in ClinVar:

ClinVar aggregate classification (germline): Likely pathogenic (1 of 4 stars; one submission).

Submission:

Dasa
Classification: Likely pathogenic. Last evaluated: 2026-01-23. Review status: criteria provided, single submitter. Criteria: DASA Assertion Criteria. Collection method: clinical testing. Allele origin: germline.
Comment: NM_001379200.1(TBX1):c.237C>G (p.Tyr79*) is a nonsense variant in TBX1 predicted to introduce a premature termination codon and is predicted to result in an absent or altered protein product. Loss of function is an established disease mechanism for TBX1-associated disorders. Also, this variant is rare in population databases. Based on the currently available evidence, this variant is classified as likely pathogenic.

NM_001379200.1(TBX1):c.237C>G (p.Tyr79Ter)

Gene: TBX1 (T-box transcription factor 1; plus strand). Cytogenetic location: 22q11.21.
Variant type: single nucleotide variant.
Coding change: c.237C>G on transcript NM_001379200.1 (MANE Select); coding-DNA position 237, C replaced by G.
Protein change: p.Tyr79Ter; replaces tyrosine 79 with a stop codon.
Molecular consequence: nonsense.
Genome position (GRCh38, 1-based): chr22:19,761,080, C>G. VCF-style: chr22-19761080-C-G. GRCh37 (hg19) VCF-style: chr22-19748603-C-G.
Other names: c.210C>G, p.Tyr70Ter (NM_005992.1, NM_080646.2, NM_080647.1); short protein forms Y70*, Y79*.
Identifiers: ClinVar variation 4884227 (VCV004884227.2).